The following is an entry in ClinVar:

NM_138615.3(DHX30):c.2168G>C (p.Gly723Ala)

Gene: DHX30 (DExH-box helicase 30; plus strand). Cytogenetic location: 3p21.31.
Variant type: single nucleotide variant.
Coding change: c.2168G>C on transcript NM_138615.3 (MANE Select); coding-DNA position 2168, G replaced by C.
Protein change: p.Gly723Ala; replaces glycine 723 with alanine.
Molecular consequence: missense variant.
Genome position (GRCh38, 1-based): chr3:47,847,838, G>C. VCF-style: chr3-47847838-G-C. GRCh37 (hg19) VCF-style: chr3-47889328-G-C.
Other names: c.2084G>C, p.Gly695Ala (NM_001330990.2); c.2051G>C, p.Gly684Ala (NM_014966.4); short protein forms G684A, G695A, G723A.
Identifiers: ClinVar variation 3900928 (VCV003900928.1).

ClinVar aggregate classification (germline): Uncertain significance (1 of 4 stars; one submission).

Submission:

GeneDx
Classification: Uncertain significance. Last evaluated: 2024-11-26. Review status: criteria provided, single submitter. Criteria: GeneDx Variant Classification Process June 2021. Collection method: clinical testing. Allele origin: germline. Affected: yes.
Comment: Not observed at significant frequency in large population cohorts (gnomAD); In silico analysis supports that this missense variant has a deleterious effect on protein structure/function; Has not been previously published as pathogenic or benign to our knowledge